The following is an entry in ClinVar:

ClinVar aggregate classification (germline): Uncertain significance (1 of 4 stars; one submission).

Conditions:
Inborn genetic diseases. Identifiers: MedGen C0950123, MeSH D030342.

Submission:

Ambry Genetics
Classification: Uncertain significance for Inborn genetic diseases. Last evaluated: 2024-06-08. Review status: criteria provided, single submitter. Criteria: Ambry Variant Classification Scheme 2023. Collection method: clinical testing. Allele origin: germline.
Comment: The p.A323V variant (also known as c.968C>T), located in coding exon 9 of the RAD51 gene, results from a C to T substitution at nucleotide position 968. The alanine at codon 323 is replaced by valine, an amino acid with similar properties. This amino acid position is conserved. In addition, the in silico prediction for this alteration is inconclusive. Based on the available evidence, the clinical significance of this variant remains unclear.

NM_002875.5(RAD51):c.968C>T (p.Ala323Val)

Gene: RAD51 (RAD51 recombinase; plus strand). Cytogenetic location: 15q15.1.
Variant type: single nucleotide variant.
Coding change: c.968C>T on transcript NM_002875.5 (MANE Select); coding-DNA position 968, C replaced by T.
Protein change: p.Ala323Val; replaces alanine 323 with valine.
Molecular consequence: missense variant. On other transcripts: 3 prime UTR variant (1).
Genome position (GRCh38, 1-based): chr15:40,731,126, C>T. VCF-style: chr15-40731126-C-T. GRCh37 (hg19) VCF-style: chr15-41023324-C-T.
Other names: c.971C>T, p.Ala324Val (NM_001164269.2, NM_133487.4); c.*3C>T (NM_001164270.2); short protein forms A323V, A324V.
Identifiers: ClinVar variation 3312364 (VCV003312364.1).